The following is an entry in ClinVar:

NC_000004.11:g.(?_186997754)_(187006047_?)dup

Gene: TLR3 (toll like receptor 3; plus strand). Cytogenetic location: 4q35.1.
Variant type: Duplication.
Identifiers: ClinVar variation 583483 (VCV000583483.3).

ClinVar aggregate classification (germline): Uncertain significance (1 of 4 stars; one submission).

Conditions:
Encephalopathy, acute, infection-induced (herpes-specific), susceptibility to, 1. Also called: Herpes simplex encephalitis, susceptibility to, 1. Identifiers: Orphanet 1930, MedGen C2750180, MONDO:0024563, OMIM 610551.

Submission:

Labcorp Genetics (formerly Invitae), Labcorp
Classification: Uncertain significance for Herpes simplex encephalitis 1. Last evaluated: 2019-11-14. Review status: criteria provided, single submitter. Criteria: Invitae Variant Classification Sherloc (09022015). Collection method: clinical testing. Allele origin: germline.
Comment: A gross duplication of the genomic region encompassing the full coding sequence of the TLR3 gene has been identified. The boundaries of this event are unknown as the duplication extends beyond the assayed region for this gene and therefore may encompass additional genes. As the precise location of this duplication is unknown, it may be in tandem or it may be located elsewhere in the genome. This variant has not been reported in the literature in individuals with TLR3-related disease. In summary, the available evidence is currently insufficient to determine the role of this variant in disease. Therefore, it has been classified as a Variant of Uncertain Significance.